The following is an entry in ClinVar:

NM_000260.4(MYO7A):c.4619C>A (p.Ala1540Glu)

Gene: MYO7A (myosin VIIA; plus strand). Cytogenetic location: 11q13.5.
Variant type: single nucleotide variant.
Coding change: c.4619C>A on transcript NM_000260.4 (MANE Select); coding-DNA position 4619, C replaced by A.
Protein change: p.Ala1540Glu; replaces alanine 1540 with glutamic acid.
Molecular consequence: missense variant. On other transcripts: intron variant (2).
Genome position (GRCh38, 1-based): chr11:77,199,585, C>A. VCF-style: chr11-77199585-C-A. GRCh37 (hg19) VCF-style: chr11-76910630-C-A.
Other names: c.4536-64C>A (NM_001369365.1); c.4569-64C>A (NM_001127180.2); short protein forms A1540E.
Identifiers: ClinVar variation 1933661 (VCV001933661.5), dbSNP rs111033511, ClinGen allele CA381950592.

ClinVar aggregate classification (germline): Uncertain significance (1 of 4 stars; one submission).

Submission:

Labcorp Genetics (formerly Invitae), Labcorp
Classification: Uncertain significance. Last evaluated: 2022-04-21. Review status: criteria provided, single submitter. Criteria: Invitae Variant Classification Sherloc (09022015). Collection method: clinical testing. Allele origin: germline.
Comment: In summary, the available evidence is currently insufficient to determine the role of this variant in disease. Therefore, it has been classified as a Variant of Uncertain Significance. Advanced modeling of protein sequence and biophysical properties (such as structural, functional, and spatial information, amino acid conservation, physicochemical variation, residue mobility, and thermodynamic stability) performed at Invitae indicates that this missense variant is not expected to disrupt MYO7A protein function. This variant has not been reported in the literature in individuals affected with MYO7A-related conditions. This variant is not present in population databases (gnomAD no frequency). This sequence change replaces alanine, which is neutral and non-polar, with glutamic acid, which is acidic and polar, at codon 1540 of the MYO7A protein (p.Ala1540Glu).